The following is an entry in ClinVar:

NM_000104.4(CYP1B1):c.524G>C (p.Arg175Pro)

Gene: CYP1B1 (cytochrome P450 family 1 subfamily B member 1; minus strand). Cytogenetic location: 2p22.2.
Variant type: single nucleotide variant.
Coding change: c.524G>C on transcript NM_000104.4 (MANE Select); coding-DNA position 524, G replaced by C.
Protein change: p.Arg175Pro; replaces arginine 175 with proline.
Molecular consequence: missense variant.
Genome position (GRCh38, 1-based): chr2:38,074,865, C>G on the plus strand (G>C on the coding strand, the complement: CYP1B1 is on the minus strand). VCF-style: chr2-38074865-C-G. GRCh37 (hg19) VCF-style: chr2-38302008-C-G.
Other names: short protein forms R175P.
Identifiers: ClinVar variation 3902190 (VCV003902190.1).
Genomic context (GRCh38, chr2:38,074,865, plus strand): 5'-GGCCTCGGGTCGAGGAAGGCGCCGTCCGCGCTGCCGCGCACCAGCAGCGCCACCAGCTCG[C>G]GCGCCTCGCTCAGCACGTGGCCCTCGAGGACTTGGCGGCTGCGCGGCTGGCGCGTGAAGA-3'
Protein context (NP_000095.2, residues 165-185): VLEGHVLSEA[Arg175Pro]ELVALLVRGS

ClinVar aggregate classification (germline): Uncertain significance (1 of 4 stars; one submission).

Submission:

Women's Health and Genetics/Laboratory Corporation of America, LabCorp
Classification: Uncertain significance. Last evaluated: 2025-05-15. Review status: criteria provided, single submitter. Criteria: LabCorp Variant Classification Summary - May 2015. Collection method: clinical testing. Allele origin: germline.
Comment: Variant summary: CYP1B1 c.524G>C (p.Arg175Pro) results in a non-conservative amino acid change in the encoded protein sequence. Algorithms developed to predict the effect of missense changes on protein structure and function all suggest that this variant is likely to be disruptive. The frequency data for this variant in gnomAD is considered unreliable, as metrics indicate poor data quality at this position. To our knowledge, no occurrence of c.524G>C in individuals affected with Primary Congenital Glaucoma and no experimental evidence demonstrating its impact on protein function have been reported. No submitters have cited clinical-significance assessments for this variant to ClinVar. Based on the evidence outlined above, the variant was classified as uncertain significance.